The following is an entry in ClinVar:

ClinVar aggregate classification (germline): Uncertain significance. Review status: criteria provided, multiple submitters, no conflicts (2 of 4 stars). 2 submissions from 2 submitters: Uncertain significance (2). Last evaluated 2025-01-31.

Conditions:
Hereditary cancer-predisposing syndrome. Also called: Tumor predisposition; Hereditary neoplastic syndrome; Neoplastic Syndromes, Hereditary; Hereditary Cancer Syndrome. Identifiers: Orphanet 140162, MedGen C0027672, MeSH D009386, MONDO:0015356.
Parathyroid carcinoma (PRTC). Also called: Parathyroid gland carcinoma; CDC73-Related Parathyroid Carcinoma. Identifiers: Orphanet 143, MedGen C0687150, MONDO:0012004, OMIM 608266, HP:0006780.

Submissions (2):

Ambry Genetics
Classification: Uncertain significance for Hereditary cancer-predisposing syndrome. Last evaluated: 2025-01-31. Review status: criteria provided, single submitter. Criteria: Ambry Variant Classification Scheme 2023. Collection method: clinical testing. Allele origin: germline.
Comment: The p.G22A variant (also known as c.65G>C), located in coding exon 1 of the CDC73 gene, results from a G to C substitution at nucleotide position 65. The glycine at codon 22 is replaced by alanine, an amino acid with similar properties. This amino acid position is conserved. In addition, the in silico prediction for this alteration is inconclusive. Based on the available evidence, the clinical significance of this variant remains unclear.

Labcorp Genetics (formerly Invitae), Labcorp
Classification: Uncertain significance for Parathyroid carcinoma. Last evaluated: 2019-03-23. Review status: criteria provided, single submitter. Criteria: Invitae Variant Classification Sherloc (09022015). Collection method: clinical testing. Allele origin: germline.
Comment: In summary, the available evidence is currently insufficient to determine the role of this variant in disease. Therefore, it has been classified as a Variant of Uncertain Significance. Algorithms developed to predict the effect of missense changes on protein structure and function (SIFT, PolyPhen-2, Align-GVGD) all suggest that this variant is likely to be tolerated, but these predictions have not been confirmed by published functional studies and their clinical significance is uncertain. This variant has not been reported in the literature in individuals with CDC73-related conditions. This variant is not present in population databases (ExAC no frequency). This sequence change replaces glycine with alanine at codon 22 of the CDC73 protein (p.Gly22Ala). The glycine residue is moderately conserved and there is a small physicochemical difference between glycine and alanine.

NM_024529.5(CDC73):c.65G>C (p.Gly22Ala)

Gene: CDC73 (cell division cycle 73; plus strand). Cytogenetic location: 1q31.2.
Variant type: single nucleotide variant.
Coding change: c.65G>C on transcript NM_024529.5 (MANE Select); coding-DNA position 65, G replaced by C.
Protein change: p.Gly22Ala; replaces glycine 22 with alanine.
Molecular consequence: missense variant.
Genome position (GRCh38, 1-based): chr1:193,122,265, G>C. VCF-style: chr1-193122265-G-C. GRCh37 (hg19) VCF-style: chr1-193091395-G-C.
Other names: short protein forms G22A.
Identifiers: ClinVar variation 856182 (VCV000856182.11), dbSNP rs1675465059, ClinGen allele CA343972865.
Genomic context (GRCh38, chr1:193,122,265, plus strand): 5'-CGGACGTGCTTAGCGTCCTGCGACAGTACAACATCCAGAAGAAGGAGATTGTGGTGAAGG[G>C]AGACGAAGTGATCTTCGGGGAGTTCTCCTGGCCCAAGAATGTGAAGACCAACTATGTTGT-3'
Protein context (NP_078805.3, residues 12-32): NIQKKEIVVK[Gly22Ala]DEVIFGEFSW